The following is an entry in ClinVar:

ClinVar aggregate classification (germline): Likely benign (1 of 4 stars; one submission).

Submission:

CeGaT Center for Human Genetics Tuebingen
Classification: Likely benign. Last evaluated: 2026-06-01. Review status: criteria provided, single submitter. Criteria: CeGaT Center For Human Genetics Tuebingen Variant Classification Criteria Version 2. Collection method: clinical testing. Allele origin: germline. Affected: yes. Observed: 2 variant alleles.
Comment: TTN: PM2:Supporting, BP4, BP7

NM_001267550.2(TTN):c.26982T>C (p.Gly8994=)

Gene: TTN (titin; minus strand). Cytogenetic location: 2q31.2.
Variant type: single nucleotide variant.
Coding change: c.26982T>C on transcript NM_001267550.2 (MANE Select); coding-DNA position 26982, T replaced by C.
Protein change: p.Gly8994=; no amino-acid change (glycine 8994 retained).
Molecular consequence: synonymous variant. On other transcripts: intron variant (3).
Genome position (GRCh38, 1-based): chr2:178,713,152, A>G on the plus strand (T>C on the coding strand, the complement: TTN is on the minus strand). VCF-style: chr2-178713152-A-G. GRCh37 (hg19) VCF-style: chr2-179577879-A-G.
Other names: c.26031T>C, p.Gly8677= (NM_001256850.1); c.23250T>C, p.Gly7750= (NM_133378.4); c.13282+24930T>C (NM_003319.4); c.13858+24930T>C (NM_133437.4); c.13657+24930T>C (NM_133432.3).
Identifiers: ClinVar variation 4875445 (VCV004875445.2).